The following is an entry in ClinVar:

NM_000089.4(COL1A2):c.3239G>A (p.Arg1080Gln)

Gene: COL1A2 (collagen type I alpha 2 chain; plus strand). Cytogenetic location: 7q21.3.
Variant type: single nucleotide variant.
Coding change: c.3239G>A on transcript NM_000089.4 (MANE Select); coding-DNA position 3239, G replaced by A.
Protein change: p.Arg1080Gln; replaces arginine 1080 with glutamine.
Molecular consequence: missense variant.
Genome position (GRCh38, 1-based): chr7:94,427,267, G>A. VCF-style: chr7-94427267-G-A. GRCh37 (hg19) VCF-style: chr7-94056579-G-A.
Other names: short protein forms R1080Q.
Identifiers: ClinVar variation 854445 (VCV000854445.12), dbSNP rs751898427, ClinGen allele CA4347708.

ClinVar aggregate classification (germline): Uncertain significance. Review status: criteria provided, multiple submitters, no conflicts (2 of 4 stars). 4 submissions from 4 submitters: Uncertain significance (3). 1 of the submissions does not count toward it. Last evaluated 2025-12-08.

Conditions:
Cardiovascular phenotype. Identifiers: MedGen CN230736.
Osteogenesis imperfecta type I (OI1). Also called: Osteogenesis imperfecta type 1; Classic Non-deforming Osteogenesis Imperfecta with Blue Sclerae; Lobstein's Disease; Lobstein disease; OI, TYPE I; OSTEOGENESIS IMPERFECTA TARDA. Identifiers: Orphanet 216796, Orphanet 666, MedGen C0023931, MONDO:0008146, OMIM 166200. Disease mechanism: loss of function.
Ehlers-Danlos syndrome, classic type, 1 (EDSCL1). Also called: Ehlers-Danlos syndrome, type 1; Ehlers-Danlos Syndrome, Classic Type, COL5A1-Related; EDS I; EHLERS-DANLOS SYNDROME, GRAVIS TYPE; EHLERS-DANLOS SYNDROME, SEVERE CLASSIC TYPE. Identifiers: MedGen C0268335, MONDO:0019567, OMIM 130000.
COL1A2-related disorder. Also called: COL1A2-related condition; COL1A2-Related Disorders.

Allele frequency attached by ClinVar (database versions not stated): gnomAD exomes 0.00001; TOPMed 0.00002; ExAC 0.00003; gnomAD 0.00003.
gnomAD v4.1: 15 of 1,613,422 alleles (0.00093%); highest among the groups gnomAD compares: Admixed American, 0.0067%; no homozygotes.

Submissions (4):

Ambry Genetics
Classification: Uncertain significance for Cardiovascular phenotype. Last evaluated: 2025-12-08. Review status: criteria provided, single submitter. Criteria: Ambry Variant Classification Scheme 2023. Collection method: clinical testing. Allele origin: germline.

Labcorp Genetics (formerly Invitae), Labcorp
Classification: Uncertain significance for Osteogenesis imperfecta type I; Ehlers-Danlos syndrome, classic type, 1. Last evaluated: 2025-01-28. Review status: criteria provided, single submitter. Criteria: Invitae Variant Classification Sherloc (09022015). Collection method: clinical testing. Allele origin: germline.
Comment: This sequence change replaces arginine, which is basic and polar, with glutamine, which is neutral and polar, at codon 1080 of the COL1A2 protein (p.Arg1080Gln). This variant is present in population databases (rs751898427, gnomAD 0.007%). This variant has not been reported in the literature in individuals affected with COL1A2-related conditions. ClinVar contains an entry for this variant (Variation ID: 854445). Invitae Evidence Modeling of protein sequence and biophysical properties (such as structural, functional, and spatial information, amino acid conservation, physicochemical variation, residue mobility, and thermodynamic stability) has been performed for this missense variant. However, the output from this modeling did not meet the statistical confidence thresholds required to predict the impact of this variant on COL1A2 protein function. In summary, the available evidence is currently insufficient to determine the role of this variant in disease. Therefore, it has been classified as a Variant of Uncertain Significance.

GeneDx
Classification: Uncertain significance. Last evaluated: 2024-01-23. Review status: criteria provided, single submitter. Criteria: GeneDx Variant Classification Process June 2021. Collection method: clinical testing. Allele origin: germline.
Comment: Has not been previously published as pathogenic or benign to our knowledge; Occurs in the triple helical domain at the Y position in the canonical Gly-X-Y repeat; although this variant may have an effect on normal protein folding and function, missense substitution at the Y position is not a common mechanism of disease (HGMD); In silico analysis supports that this missense variant has a deleterious effect on protein structure/function

PreventionGenetics, part of Exact Sciences
Classification: Uncertain significance for COL1A2-related condition. Last evaluated: 2024-04-23. Review status: no assertion criteria provided. Collection method: clinical testing. Allele origin: germline. Not counted in ClinVar's aggregate classification.
Comment: The COL1A2 c.3239G>A variant is predicted to result in the amino acid substitution p.Arg1080Gln. To our knowledge, this variant has not been reported in the literature. This variant is reported in 0.0066% of alleles in individuals of South Asian descent in gnomAD. At this time, the clinical significance of this variant is uncertain due to the absence of conclusive functional and genetic evidence.